The following is an entry in ClinVar:

ClinVar aggregate classification (germline): Uncertain significance (1 of 4 stars; one submission).

Submission:

GeneDx
Classification: Uncertain significance. Last evaluated: 2026-01-24. Review status: criteria provided, single submitter. Criteria: GeneDx Variant Classification Process June 2021. Collection method: clinical testing. Allele origin: germline.
Comment: Not observed at significant frequency in large population cohorts (gnomAD); In silico analysis supports that this missense variant has a deleterious effect on protein structure/function; Has not been previously published as pathogenic or benign to our knowledge

NM_006521.6(TFE3):c.812T>C (p.Leu271Pro)

Gene: TFE3 (transcription factor binding to IGHM enhancer 3; minus strand). Cytogenetic location: Xp11.23.
Variant type: single nucleotide variant.
Coding change: c.812T>C on transcript NM_006521.6 (MANE Select); coding-DNA position 812, T replaced by C.
Protein change: p.Leu271Pro; replaces leucine 271 with proline.
Molecular consequence: missense variant.
Genome position (GRCh38, 1-based): chrX:49,038,083, A>G on the plus strand (T>C on the coding strand, the complement: TFE3 is on the minus strand). VCF-style: chrX-49038083-A-G. GRCh37 (hg19) VCF-style: chrX-48895608-A-G.
Other names: c.497T>C, p.Leu166Pro (NM_001282142.2); short protein forms L166P, L271P.
Identifiers: ClinVar variation 3390495 (VCV003390495.2).